The following is an entry in ClinVar:

ClinVar aggregate classification (germline): Uncertain significance (1 of 4 stars; one submission).

Submission:

Labcorp Genetics (formerly Invitae), Labcorp
Classification: Uncertain significance. Last evaluated: 2025-12-19. Review status: criteria provided, single submitter. Criteria: Invitae Variant Classification Sherloc (09022015). Collection method: clinical testing. Allele origin: germline.
Comment: This sequence change replaces alanine, which is neutral and non-polar, with threonine, which is neutral and polar, at codon 522 of the ZNF687 protein (p.Ala522Thr). This variant is not present in population databases (gnomAD no frequency). This variant has not been reported in the literature in individuals affected with ZNF687-related conditions. An algorithm developed to predict the effect of missense changes on protein structure and function (PolyPhen-2) suggests that this variant is likely to be disruptive. In summary, the available evidence is currently insufficient to determine the role of this variant in disease. Therefore, it has been classified as a Variant of Uncertain Significance.

NM_020832.3(ZNF687):c.1564G>A (p.Ala522Thr)

Gene: ZNF687 (zinc finger protein 687; plus strand). Cytogenetic location: 1q21.3.
Variant type: single nucleotide variant.
Coding change: c.1564G>A on transcript NM_020832.3 (MANE Select); coding-DNA position 1564, G replaced by A.
Protein change: p.Ala522Thr; replaces alanine 522 with threonine.
Molecular consequence: missense variant.
Genome position (GRCh38, 1-based): chr1:151,287,855, G>A. VCF-style: chr1-151287855-G-A. GRCh37 (hg19) VCF-style: chr1-151260331-G-A.
Other names: c.1564G>A, p.Ala522Thr (NM_001304763.2, NM_001304764.2); short protein forms A522T.
Identifiers: ClinVar variation 4769402 (VCV004769402.1).